The following is an entry in ClinVar:

ClinVar aggregate classification (germline): Uncertain significance (1 of 4 stars; one submission).

Conditions:
RASopathy. Also called: rasopathies; Noonan spectrum disorder. Identifiers: Orphanet 536391, MedGen C5555857, MONDO:0021060.

Submission:

Labcorp Genetics (formerly Invitae), Labcorp
Classification: Uncertain significance for RASopathy. Last evaluated: 2021-06-14. Review status: criteria provided, single submitter. Criteria: Invitae Variant Classification Sherloc (09022015). Collection method: clinical testing. Allele origin: germline.
Comment: This variant is not present in population databases (ExAC no frequency). This sequence change replaces cysteine with tyrosine at codon 1102 of the SOS1 protein (p.Cys1102Tyr). The cysteine residue is moderately conserved and there is a large physicochemical difference between cysteine and tyrosine. This variant has not been reported in the literature in individuals with SOS1-related conditions. In summary, the available evidence is currently insufficient to determine the role of this variant in disease. Therefore, it has been classified as a Variant of Uncertain Significance. Algorithms developed to predict the effect of missense changes on protein structure and function (SIFT, PolyPhen-2, Align-GVGD) all suggest that this variant is likely to be tolerated, but these predictions have not been confirmed by published functional studies and their clinical significance is uncertain.

NM_005633.4(SOS1):c.3305G>A (p.Cys1102Tyr)

Gene: SOS1 (SOS Ras/Rac guanine nucleotide exchange factor 1; minus strand). Cytogenetic location: 2p22.1.
Variant type: single nucleotide variant.
Coding change: c.3305G>A on transcript NM_005633.4 (MANE Select); coding-DNA position 3305, G replaced by A.
Protein change: p.Cys1102Tyr; replaces cysteine 1102 with tyrosine.
Molecular consequence: missense variant.
Genome position (GRCh38, 1-based): chr2:38,995,164, C>T on the plus strand (G>A on the coding strand, the complement: SOS1 is on the minus strand). VCF-style: chr2-38995164-C-T. GRCh37 (hg19) VCF-style: chr2-39222305-C-T.
Other names: c.3284G>A, p.Cys1095Tyr (NM_001382394.1); c.3305G>A, p.Cys1102Tyr (NM_001382395.1); short protein forms C1102Y, C1095Y.
Identifiers: ClinVar variation 1523429 (VCV001523429.8), dbSNP rs2124475187, ClinGen allele CA346360375.
Genomic context (GRCh38, chr2:38,995,164, plus strand): 5'-TTAGAATTTTTGCACCTACTTGAGTGAAAAGGGCTCGAATGATCGGAATCAAATACACTG[C>T]AAACATCTGTGGTACTGGAAGCACCAGAAGCAGGCGGAGGTGTTAACGGTGTTCTTGGAG-3'
Protein context (NP_005624.2, residues 1092-1112): ASGASSTTDV[Cys1102Tyr]SVFDSDHSSP